The following is an entry in ClinVar:

NM_001080414.4(CCDC88C):c.4198A>C (p.Lys1400Gln)

Gene: CCDC88C (coiled-coil and HOOK domain protein 88C; minus strand). Cytogenetic location: 14q32.11.
Variant type: single nucleotide variant.
Coding change: c.4198A>C on transcript NM_001080414.4 (MANE Select); coding-DNA position 4198, A replaced by C.
Protein change: p.Lys1400Gln; replaces lysine 1400 with glutamine.
Molecular consequence: missense variant.
Genome position (GRCh38, 1-based): chr14:91,290,999, T>G on the plus strand (A>C on the coding strand, the complement: CCDC88C is on the minus strand). VCF-style: chr14-91290999-T-G. GRCh37 (hg19) VCF-style: chr14-91757343-T-G.
Other names: short protein forms K1400Q.
Identifiers: ClinVar variation 1707194 (VCV001707194.9), dbSNP rs200133047, ClinGen allele CA7309085.

ClinVar aggregate classification (germline): Uncertain significance. Review status: criteria provided, multiple submitters, no conflicts (2 of 4 stars). 3 submissions from 3 submitters: Uncertain significance (3). Last evaluated 2025-01-23.

Conditions:
Inborn genetic diseases. Identifiers: MedGen C0950123, MeSH D030342.

Allele frequency attached by ClinVar (database versions not stated): 1000 Genomes Project 0.00020; ESP Exome Variant Server 0.00050; 1000 Genomes Project 30x 0.00016.
gnomAD v4.1: 1,037 of 1,569,908 alleles (0.066%); highest among the groups gnomAD compares: Non-Finnish European, 0.088%; 1 homozygote.

Submissions (4):

Ambry Genetics
Classification: Uncertain significance for Inborn genetic diseases. Last evaluated: 2025-01-23. Review status: criteria provided, single submitter. Criteria: Ambry Variant Classification Scheme 2023. Collection method: clinical testing. Allele origin: germline.

GeneDx
Classification: Uncertain significance. Last evaluated: 2024-10-01. Review status: criteria provided, single submitter. Criteria: GeneDx Variant Classification Process June 2021. Collection method: clinical testing. Allele origin: germline. Affected: yes.
Comment: In silico analysis indicates that this missense variant does not alter protein structure/function; Has not been previously published as pathogenic or benign to our knowledge

Labcorp Genetics (formerly Invitae), Labcorp
Classification: Uncertain significance. Last evaluated: 2022-11-02. Review status: criteria provided, single submitter. Criteria: Invitae Variant Classification Sherloc (09022015). Collection method: clinical testing. Allele origin: germline.
Comment: This sequence change replaces lysine, which is basic and polar, with glutamine, which is neutral and polar, at codon 1400 of the CCDC88C protein (p.Lys1400Gln). This variant is present in population databases (rs200133047, gnomAD 0.06%). This missense change has been observed in individual(s) with clinical features of CCDC88C-related conditions (Invitae). ClinVar contains an entry for this variant (Variation ID: 1707194). Algorithms developed to predict the effect of missense changes on protein structure and function are either unavailable or do not agree on the potential impact of this missense change (SIFT: "Tolerated"; PolyPhen-2: "Probably Damaging"; Align-GVGD: "Class C0"). In summary, the available evidence is currently insufficient to determine the role of this variant in disease. Therefore, it has been classified as a Variant of Uncertain Significance.

Dr. Peter K. Rogan Lab, Western University
No classification provided (evidence only). Condition: Cervical cancer. Review status: no classification provided. Collection method: in vitro. Allele origin: not applicable. Functional consequence: retained intron. Not counted in ClinVar's aggregate classification.